The following is an entry in ClinVar:

ClinVar aggregate classification (germline): Uncertain significance. Review status: criteria provided, multiple submitters, no conflicts (2 of 4 stars). 2 submissions from 2 submitters: Uncertain significance (2). Last evaluated 2025-06-12.

Conditions:
Benign familial hematuria. Also called: thin basement membrane disease. Identifiers: MedGen C0241908, MONDO:0957317.

Allele frequency attached by ClinVar (database versions not stated): gnomAD exomes below 0.00001.
gnomAD v4.1: 2 of 1,614,180 alleles (0.00012%); highest among the groups gnomAD compares: Non-Finnish European, 0.00017%; no homozygotes.

Submissions (2):

Labcorp Genetics (formerly Invitae), Labcorp
Classification: Uncertain significance. Last evaluated: 2025-06-12. Review status: criteria provided, single submitter. Criteria: Invitae Variant Classification Sherloc (09022015). Collection method: clinical testing. Allele origin: germline.
Comment: This sequence change replaces glutamic acid, which is acidic and polar, with lysine, which is basic and polar, at codon 1019 of the COL4A4 protein (p.Glu1019Lys). This variant is not present in population databases (gnomAD no frequency). This variant has not been reported in the literature in individuals affected with COL4A4-related conditions. ClinVar contains an entry for this variant (Variation ID: 2101958). Invitae Evidence Modeling of protein sequence and biophysical properties (such as structural, functional, and spatial information, amino acid conservation, physicochemical variation, residue mobility, and thermodynamic stability) indicates that this missense variant is not expected to disrupt COL4A4 protein function with a negative predictive value of 95%. Algorithms developed to predict the effect of sequence changes on RNA splicing suggest that this variant may create or strengthen a splice site. In summary, the available evidence is currently insufficient to determine the role of this variant in disease. Therefore, it has been classified as a Variant of Uncertain Significance.

3billion
Classification: Uncertain significance for Hematuria, benign familial, 1. Review status: criteria provided, single submitter. Criteria: ACMG Guidelines, 2015. Collection method: clinical testing. Allele origin: unknown. Affected: yes. Observed: 1 heterozygote.
Comment: The variant is not observed in the gnomAD v2.1.1 dataset. In silico tools predict the variant to alter splicing and produce an abnormal transcript (SpliceAI: 0.67). Therefore, this variant is classified as Uncertain significance according to the recommendation of ACMG/AMP guideline.

NM_000092.5(COL4A4):c.3055G>A (p.Glu1019Lys)

Gene: COL4A4 (collagen type IV alpha 4 chain; minus strand). Cytogenetic location: 2q36.3.
Variant type: single nucleotide variant.
Coding change: c.3055G>A on transcript NM_000092.5 (MANE Select); coding-DNA position 3055, G replaced by A.
Protein change: p.Glu1019Lys; replaces glutamic acid 1019 with lysine.
Molecular consequence: missense variant.
Genome position (GRCh38, 1-based): chr2:227,051,072, C>T on the plus strand (G>A on the coding strand, the complement: COL4A4 is on the minus strand). VCF-style: chr2-227051072-C-T. GRCh37 (hg19) VCF-style: chr2-227915788-C-T.
Other names: short protein forms E1019K.
Identifiers: ClinVar variation 2101958 (VCV002101958.5), dbSNP rs1057518854, ClinGen allele CA350839123.